The following is an entry in ClinVar:

ClinVar aggregate classification (germline): Uncertain significance. Review status: criteria provided, multiple submitters, no conflicts (2 of 4 stars). 2 submissions from 2 submitters: Uncertain significance (2). Last evaluated 2025-04-07.

Conditions:
Hereditary cancer-predisposing syndrome. Also called: Neoplastic Syndromes, Hereditary; Tumor predisposition; Hereditary neoplastic syndrome; Hereditary Cancer Syndrome. Identifiers: Orphanet 140162, MedGen C0027672, MeSH D009386, MONDO:0015356.

Allele frequency attached by ClinVar (database versions not stated): gnomAD exomes below 0.00001.

Submissions (2):

Labcorp Genetics (formerly Invitae), Labcorp
Classification: Uncertain significance for Hereditary cancer-predisposing syndrome. Last evaluated: 2025-04-07. Review status: criteria provided, single submitter. Criteria: Invitae Variant Classification Sherloc (09022015). Collection method: clinical testing. Allele origin: germline.
Comment: This sequence change replaces histidine, which is basic and polar, with arginine, which is basic and polar, at codon 530 of the RAD50 protein (p.His530Arg). This variant is not present in population databases (gnomAD no frequency). This variant has not been reported in the literature in individuals affected with RAD50-related conditions. ClinVar contains an entry for this variant (Variation ID: 566109). Invitae Evidence Modeling of protein sequence and biophysical properties (such as structural, functional, and spatial information, amino acid conservation, physicochemical variation, residue mobility, and thermodynamic stability) indicates that this missense variant is not expected to disrupt RAD50 protein function with a negative predictive value of 80%. In summary, the available evidence is currently insufficient to determine the role of this variant in disease. Therefore, it has been classified as a Variant of Uncertain Significance.

Ambry Genetics
Classification: Uncertain significance for Hereditary cancer-predisposing syndrome. Last evaluated: 2025-04-04. Review status: criteria provided, single submitter. Criteria: Ambry Variant Classification Scheme 2023. Collection method: clinical testing. Allele origin: germline.
Comment: The p.H530R variant (also known as c.1589A>G), located in coding exon 10 of the RAD50 gene, results from an A to G substitution at nucleotide position 1589. The histidine at codon 530 is replaced by arginine, an amino acid with highly similar properties. This amino acid position is conserved. In addition, this alteration is predicted to be tolerated by in silico analysis. Since supporting evidence is limited at this time, the clinical significance of this alteration remains unclear.

NM_005732.4(RAD50):c.1589A>G (p.His530Arg)

Gene: RAD50 (RAD50 double strand break repair protein; plus strand). Cytogenetic location: 5q31.1.
Variant type: single nucleotide variant.
Coding change: c.1589A>G on transcript NM_005732.4 (MANE Select); coding-DNA position 1589, A replaced by G.
Protein change: p.His530Arg; replaces histidine 530 with arginine.
Molecular consequence: missense variant.
Genome position (GRCh38, 1-based): chr5:132,591,360, A>G. VCF-style: chr5-132591360-A-G. GRCh37 (hg19) VCF-style: chr5-131927052-A-G.
Other names: short protein forms H530R.
Identifiers: ClinVar variation 566109 (VCV000566109.11), dbSNP rs746234977, ClinGen allele CA360946042.
Genomic context (GRCh38, chr5:132,591,360, plus strand): 5'-AAAAAGCAGACTTAGACAGGACCCTGCGTAAACTTGACCAGGAGATGGAGCAGTTAAACC[A>G]TCATACAACAACACGTACCCAAATGGAGATGCTGACCAAAGACAAAGTATGATTTTTCTT-3'
Protein context (NP_005723.2, residues 520-540): KLDQEMEQLN[His530Arg]HTTTRTQMEM